The following is an entry in ClinVar:

ClinVar aggregate classification (germline): Conflicting classifications of pathogenicity. Review status: criteria provided, conflicting classifications (1 of 4 stars). 2 submissions from 2 submitters: Uncertain significance (1); Benign (1). Last evaluated 2025-10-31.

Conditions:
Hereditary cancer-predisposing syndrome. Also called: Tumor predisposition; Hereditary neoplastic syndrome; Neoplastic Syndromes, Hereditary; Hereditary Cancer Syndrome. Identifiers: Orphanet 140162, MedGen C0027672, MeSH D009386, MONDO:0015356.
BAP1-related tumor predisposition syndrome (TPDS1). Also called: Tumor susceptibility linked to germline BAP1 mutations; BAP1 tumor predisposition syndrome; COMMON Syndrome; TUMOR PREDISPOSITION SYNDROME 1. Identifiers: Orphanet 289539, MedGen C3280492, MONDO:0013692, OMIM 614327.

gnomAD v4.1: 1 of 1,613,564 alleles (0.000062%); highest among the groups gnomAD compares: Admixed American, 0.0017%; no homozygotes.

Submissions (2):

Ambry Genetics
Classification: Benign for Hereditary cancer-predisposing syndrome. Last evaluated: 2025-10-31. Review status: criteria provided, single submitter. Criteria: Ambry Variant Classification Scheme 2023. Collection method: clinical testing. Allele origin: germline.

Labcorp Genetics (formerly Invitae), Labcorp
Classification: Uncertain significance for BAP1-related tumor predisposition syndrome. Last evaluated: 2025-08-30. Review status: criteria provided, single submitter. Criteria: Invitae Variant Classification Sherloc (09022015). Collection method: clinical testing. Allele origin: germline.
Comment: This sequence change replaces threonine, which is neutral and polar, with arginine, which is basic and polar, at codon 576 of the BAP1 protein (p.Thr576Arg). This variant is not present in population databases (gnomAD no frequency). This variant has not been reported in the literature in individuals affected with BAP1-related conditions. ClinVar contains an entry for this variant (Variation ID: 1357728). An algorithm developed to predict the effect of missense changes on protein structure and function (PolyPhen-2) suggests that this variant is likely to be tolerated. In summary, the available evidence is currently insufficient to determine the role of this variant in disease. Therefore, it has been classified as a Variant of Uncertain Significance.

Literature cited by the submitters: PubMed 26876698 (cited by Ambry Genetics); PubMed 31058963 (cited by Ambry Genetics).

NM_004656.4(BAP1):c.1727C>G (p.Thr576Arg)

Gene: BAP1 (BRCA1 associated deubiquitinase 1; minus strand). Cytogenetic location: 3p21.1.
Variant type: single nucleotide variant.
Coding change: c.1727C>G on transcript NM_004656.4 (MANE Select); coding-DNA position 1727, C replaced by G.
Protein change: p.Thr576Arg; replaces threonine 576 with arginine.
Molecular consequence: missense variant.
Genome position (GRCh38, 1-based): chr3:52,403,418, G>C on the plus strand (C>G on the coding strand, the complement: BAP1 is on the minus strand). VCF-style: chr3-52403418-G-C. GRCh37 (hg19) VCF-style: chr3-52437434-G-C.
Other names: c.1727C>G (NM_004656.2); short protein forms T576R.
Identifiers: ClinVar variation 1357728 (VCV001357728.9), dbSNP rs374920141, ClinGen allele CA353099509.
Genomic context (GRCh38, chr3:52,403,418, plus strand): 5'-CACTTCCCTCCTCCCTCCTGGGTGCACCAAGTGGCCAGTGAGCCAGTCCAAGGCCCACCT[G>C]TCAGCGCCAGGGGACTCAGCACCCCATCCTCAGCCAGGTGCAGCAGGCCTGTGCTGATGA-3'
Protein context (NP_004647.1, residues 566-586): EDGVLSPLAL[Thr576Arg]EGGKGSSPSI